The following is an entry in ClinVar:

NM_001089.3(ABCA3):c.753C>T (p.Ile251=)

Gene: ABCA3 (ATP binding cassette subfamily A member 3; minus strand). Cytogenetic location: 16p13.3.
Variant type: single nucleotide variant.
Coding change: c.753C>T on transcript NM_001089.3 (MANE Select); coding-DNA position 753, C replaced by T.
Protein change: p.Ile251=; no amino-acid change (isoleucine 251 retained).
Molecular consequence: synonymous variant.
Genome position (GRCh38, 1-based): chr16:2,319,701, G>A on the plus strand (C>T on the coding strand, the complement: ABCA3 is on the minus strand). VCF-style: chr16-2319701-G-A. GRCh37 (hg19) VCF-style: chr16-2369702-G-A.
Identifiers: ClinVar variation 318568 (VCV000318568.19), dbSNP rs146161376, ClinGen allele CA7841529.

ClinVar aggregate classification (germline): Conflicting classifications of pathogenicity. Review status: criteria provided, conflicting classifications (1 of 4 stars). 6 submissions from 6 submitters: Uncertain significance (1); Benign (1); Likely benign (3). 1 of the submissions does not count toward it. Last evaluated 2026-01-25.

Conditions:
ABCA3-related disorder. Also called: ABCA3-related condition.
Hereditary pulmonary alveolar proteinosis. Also called: Pulmonary surfactant metabolism dysfunction. Identifiers: Orphanet 264675, MedGen C3711368, MONDO:0012580.
Interstitial lung disease due to ABCA3 deficiency. Also called: PULMONARY ALVEOLAR PROTEINOSIS, CONGENITAL, 3. Identifiers: Orphanet 440402, MedGen C1970456, MONDO:0012582, OMIM 610921.

Allele frequency attached by ClinVar (database versions not stated): ESP Exome Variant Server 0.00038; gnomAD 0.00053 and 0.00055; TOPMed 0.00067; 1000 Genomes Project 30x 0.00078; 1000 Genomes Project 0.00080.
gnomAD v4.1: 498 of 1,614,004 alleles (0.031%); highest among the groups gnomAD compares: Middle Eastern, 0.31%; 2 homozygotes.

Submissions (6):

Labcorp Genetics (formerly Invitae), Labcorp
Classification: Benign. Last evaluated: 2026-01-25. Review status: criteria provided, single submitter. Criteria: Invitae Variant Classification Sherloc (09022015). Collection method: clinical testing. Allele origin: germline.

Blueprint Genetics
Classification: Likely benign. Last evaluated: 2024-11-26. Review status: criteria provided, single submitter. Criteria: ACMG Guidelines, 2015. Collection method: clinical testing. Allele origin: germline.

Johns Hopkins Genomics, Johns Hopkins University
Classification: Likely benign for Interstitial lung disease due to ABCA3 deficiency. Last evaluated: 2020-01-22. Review status: criteria provided, single submitter. Criteria: ACMG Guidelines, 2015. Collection method: clinical testing. Allele origin: germline.

Illumina Laboratory Services, Illumina
Classification: Uncertain significance for Interstitial lung disease due to ABCA3 deficiency. Last evaluated: 2018-01-13. Review status: criteria provided, single submitter. Criteria: ICSL Variant Classification Criteria 13 December 2019. Collection method: clinical testing. Allele origin: germline.

Ambry Genetics
Classification: Likely benign for Hereditary pulmonary alveolar proteinosis. Last evaluated: 2014-06-26. Review status: criteria provided, single submitter. Criteria: Ambry Variant Classification Scheme 2023. Collection method: clinical testing. Allele origin: germline.

PreventionGenetics, part of Exact Sciences
Classification: Likely benign for ABCA3-related condition. Last evaluated: 2019-10-28. Review status: no assertion criteria provided. Collection method: clinical testing. Allele origin: germline. Not counted in ClinVar's aggregate classification.
Comment: This variant is classified as likely benign based on ACMG/AMP sequence variant interpretation guidelines (Richards et al. 2015 PMID: 25741868, with internal and published modifications).